The following is an entry in ClinVar:

NM_024753.5(TTC21B):c.3791C>T (p.Thr1264Ile)

Gene: TTC21B (tetratricopeptide repeat domain 21B; minus strand). Cytogenetic location: 2q24.3.
Variant type: single nucleotide variant.
Coding change: c.3791C>T on transcript NM_024753.5 (MANE Select); coding-DNA position 3791, C replaced by T.
Protein change: p.Thr1264Ile; replaces threonine 1264 with isoleucine.
Molecular consequence: missense variant.
Genome position (GRCh38, 1-based): chr2:165,880,693, G>A on the plus strand (C>T on the coding strand, the complement: TTC21B is on the minus strand). VCF-style: chr2-165880693-G-A. GRCh37 (hg19) VCF-style: chr2-166737203-G-A.
Other names: c.3791C>T (NM_024753.3); short protein forms T1264I.
Identifiers: ClinVar variation 440361 (VCV000440361.16), dbSNP rs569067100, ClinGen allele CA1941402.

ClinVar aggregate classification (germline): Uncertain significance. Review status: criteria provided, multiple submitters, no conflicts (2 of 4 stars). 4 submissions from 4 submitters: Uncertain significance (4). Last evaluated 2024-02-21.

Conditions:
Jeune thoracic dystrophy. Also called: Jeune syndrome; Infantile thoracic dystrophy; Thoracic pelvic phalangeal dystrophy; Jeune's syndrome; Chondroectodermal dysplasia-like syndrome; Short-rib thoracic dysplasia. Identifiers: Orphanet 474, MedGen C0265275, MONDO:0018770.
Nephronophthisis. Also called: Juvenile Nephronophthisis. Identifiers: Orphanet 655, MedGen C0687120, MONDO:0019005, HP:0000090.
Inborn genetic diseases. Identifiers: MedGen C0950123, MeSH D030342.
Asphyxiating thoracic dystrophy 4 (SRTD4). Also called: SHORT-RIB THORACIC DYSPLASIA 4; SHORT-RIB THORACIC DYSPLASIA 4 WITH OR WITHOUT POLYDACTYLY. Identifiers: Orphanet 474, MedGen C3151185, MONDO:0013441, OMIM 613819.
Nephronophthisis 12 (NPHP12). Identifiers: Orphanet 655, MedGen C3151186, MONDO:0013442, OMIM 613820.

Allele frequency attached by ClinVar (database versions not stated): gnomAD exomes below 0.00001 and 0.00001; ExAC 0.00001; gnomAD 0.00001; TOPMed 0.00002; 1000 Genomes Project 0.00020; 1000 Genomes Project 30x 0.00031.
gnomAD v4.1: 5 of 1,613,514 alleles (0.00031%); highest among the groups gnomAD compares: African/African-American, 0.0053%; no homozygotes.

Submissions (4):

Fulgent Genetics
Classification: Uncertain significance for Asphyxiating thoracic dystrophy 4; Nephronophthisis 12. Last evaluated: 2024-02-21. Review status: criteria provided, single submitter. Criteria: ACMG Guidelines, 2015. Collection method: clinical testing. Allele origin: germline.

Ambry Genetics
Classification: Uncertain significance for Inborn genetic diseases. Last evaluated: 2023-10-05. Review status: criteria provided, single submitter. Criteria: Ambry Variant Classification Scheme 2023. Collection method: clinical testing. Allele origin: germline.

Labcorp Genetics (formerly Invitae), Labcorp
Classification: Uncertain significance for Jeune thoracic dystrophy; Nephronophthisis. Last evaluated: 2022-07-26. Review status: criteria provided, single submitter. Criteria: Invitae Variant Classification Sherloc (09022015). Collection method: clinical testing. Allele origin: germline.
Comment: This variant has not been reported in the literature in individuals affected with TTC21B-related conditions. In summary, the available evidence is currently insufficient to determine the role of this variant in disease. Therefore, it has been classified as a Variant of Uncertain Significance. Algorithms developed to predict the effect of missense changes on protein structure and function (SIFT, PolyPhen-2, Align-GVGD) all suggest that this variant is likely to be tolerated. ClinVar contains an entry for this variant (Variation ID: 440361). This variant is present in population databases (rs569067100, gnomAD 0.01%). This sequence change replaces threonine, which is neutral and polar, with isoleucine, which is neutral and non-polar, at codon 1264 of the TTC21B protein (p.Thr1264Ile).

ARUP Laboratories, Molecular Genetics and Genomics, ARUP Laboratories
Classification: Uncertain significance. Last evaluated: 2016-08-24. Review status: criteria provided, single submitter. Criteria: ARUP Molecular Germline Variant Investigation Process. Collection method: clinical testing. Allele origin: germline.